The following is an entry in ClinVar:

ClinVar aggregate classification (germline): Uncertain significance (1 of 4 stars; one submission).

Submission:

Labcorp Genetics (formerly Invitae), Labcorp
Classification: Uncertain significance. Last evaluated: 2022-10-04. Review status: criteria provided, single submitter. Criteria: Invitae Variant Classification Sherloc (09022015). Collection method: clinical testing. Allele origin: germline.
Comment: This variant, c.4235_4246dup, results in the insertion of 4 amino acid(s) of the HMCN1 protein (p.Ile1415_Leu1416insHisGlyLysIle), but otherwise preserves the integrity of the reading frame. This variant is not present in population databases (gnomAD no frequency). This variant has not been reported in the literature in individuals affected with HMCN1-related conditions. In summary, the available evidence is currently insufficient to determine the role of this variant in disease. Therefore, it has been classified as a Variant of Uncertain Significance.

NM_031935.3(HMCN1):c.4235_4246dup (p.Ile1415_Leu1416insHisGlyLysIle)

Gene: HMCN1 (hemicentin 1; plus strand). Cytogenetic location: 1q31.1.
Variant type: Duplication.
Coding change: c.4235_4246dup on transcript NM_031935.3 (MANE Select); coding-DNA positions 4235 to 4246, 12 bases duplicated (ATGGGAAGATAC).
Protein change: p.Ile1415_Leu1416insHisGlyLysIle.
Molecular consequence: inframe insertion.
Genome position (GRCh38, 1-based): chr1:186,001,628-186,001,639, ATGGGAAGATAC duplicated. VCF-style (leftmost placement, unchanged base first): chr1-186001627-A-AATGGGAAGATAC. GRCh37 (hg19) VCF-style: chr1-185970759-A-AATGGGAAGATAC.
Identifiers: ClinVar variation 2034101 (VCV002034101.4), dbSNP rs2527453073, ClinGen allele CA2573967232.
Genomic context (GRCh38, chr1:186,001,627, plus strand): 5'-TAACACTGACCATTTTGGCCCTTAAAGGTGACTGAAAGCAGCACTATTCAGACTGTGAAC[A>AATGGGAAGATAC]ATGGGAAGATACTGAAGCTCTTCAGAGCCACTCCAGAGGATGCAGGAAGATATTCCTGCA-3'